The following is an entry in ClinVar:

ClinVar aggregate classification (germline): Uncertain significance. Review status: criteria provided, multiple submitters, no conflicts (2 of 4 stars). 2 submissions from 2 submitters: Uncertain significance (2). Last evaluated 2025-12-02.

Conditions:
Branchiootic syndrome 3 (BOS3). Also called: BO SYNDROME 3. Identifiers: MedGen C1842124, MONDO:0012025, OMIM 608389.
Autosomal dominant nonsyndromic hearing loss 23. Identifiers: Orphanet 90635, MedGen C1854594, MONDO:0011519, OMIM 605192.

gnomAD v4.1: 8 of 1,614,074 alleles (0.0005%); highest among the groups gnomAD compares: Admixed American, 0.013%; no homozygotes.

Submissions (2):

GeneDx
Classification: Uncertain significance. Last evaluated: 2025-12-02. Review status: criteria provided, single submitter. Criteria: GeneDx Variant Classification Process June 2021. Collection method: clinical testing. Allele origin: germline.
Comment: In silico analysis suggests that this missense variant does not alter protein structure/function; Has not been previously published as pathogenic or benign to our knowledge

Fulgent Genetics
Classification: Uncertain significance for Autosomal dominant nonsyndromic hearing loss 23; Branchiootic syndrome 3. Last evaluated: 2024-04-29. Review status: criteria provided, single submitter. Criteria: ACMG Guidelines, 2015. Collection method: clinical testing. Allele origin: germline.

NM_005982.4(SIX1):c.697C>A (p.Leu233Met)

Gene: SIX1 (SIX homeobox 1; minus strand). Cytogenetic location: 14q23.1.
Variant type: single nucleotide variant.
Coding change: c.697C>A on transcript NM_005982.4 (MANE Select); coding-DNA position 697, C replaced by A.
Protein change: p.Leu233Met; replaces leucine 233 with methionine.
Molecular consequence: missense variant. On other transcripts: 3 prime UTR variant (1).
Genome position (GRCh38, 1-based): chr14:60,646,441, G>T on the plus strand (C>A on the coding strand, the complement: SIX1 is on the minus strand). VCF-style: chr14-60646441-G-T. GRCh37 (hg19) VCF-style: chr14-61113159-G-T.
Other names: c.*116C>A (NM_001425142.1); short protein forms L233M.
Identifiers: ClinVar variation 3342432 (VCV003342432.3).